The following is an entry in ClinVar:

ClinVar aggregate classification (germline): Uncertain significance. Review status: criteria provided, multiple submitters, no conflicts (2 of 4 stars). 2 submissions from 2 submitters: Uncertain significance (2). Last evaluated 2024-12-06.

Allele frequency attached by ClinVar (database versions not stated): gnomAD exomes 0.00001 and 0.00004; ExAC 0.00003; 1000 Genomes Project 0.00020; gnomAD 0.00021 and 0.00023; 1000 Genomes Project 30x 0.00031.

Submissions (2):

Ambry Genetics
Classification: Uncertain significance. Last evaluated: 2024-12-06. Review status: criteria provided, single submitter. Criteria: Ambry Variant Classification Scheme 2023. Collection method: clinical testing. Allele origin: germline.

Labcorp Genetics (formerly Invitae), Labcorp
Classification: Uncertain significance. Last evaluated: 2024-07-01. Review status: criteria provided, single submitter. Criteria: Invitae Variant Classification Sherloc (09022015). Collection method: clinical testing. Allele origin: germline.
Comment: This sequence change replaces proline, which is neutral and non-polar, with alanine, which is neutral and non-polar, at codon 187 of the LIG1 protein (p.Pro187Ala). This variant is present in population databases (rs189960890, gnomAD 0.07%). This variant has not been reported in the literature in individuals affected with LIG1-related conditions. ClinVar contains an entry for this variant (Variation ID: 1409784). Algorithms developed to predict the effect of missense changes on protein structure and function output the following: SIFT: "Not Available"; PolyPhen-2: "Benign"; Align-GVGD: "Not Available". The alanine amino acid residue is found in multiple mammalian species, which suggests that this missense change does not adversely affect protein function. In summary, the available evidence is currently insufficient to determine the role of this variant in disease. Therefore, it has been classified as a Variant of Uncertain Significance.

NM_000234.3(LIG1):c.559C>G (p.Pro187Ala)

Gene: LIG1 (DNA ligase 1; minus strand). Cytogenetic location: 19q13.33.
Variant type: single nucleotide variant.
Coding change: c.559C>G on transcript NM_000234.3 (MANE Select); coding-DNA position 559, C replaced by G.
Protein change: p.Pro187Ala; replaces proline 187 with alanine.
Molecular consequence: missense variant. On other transcripts: non-coding transcript variant (6), intron variant (1).
Genome position (GRCh38, 1-based): chr19:48,151,247, G>C on the plus strand (C>G on the coding strand, the complement: LIG1 is on the minus strand). VCF-style: chr19-48151247-G-C. GRCh37 (hg19) VCF-style: chr19-48654504-G-C.
Other names: c.466C>G, p.Pro156Ala (NM_001289063.2); c.556C>G, p.Pro186Ala (NM_001320970.2); c.469C>G, p.Pro157Ala (NM_001320971.2); c.371-1037C>G (NM_001289064.2); c.559C>G (NM_000234.1); short protein forms P157A, P187A, P156A, P186A.
Identifiers: ClinVar variation 1409784 (VCV001409784.8), dbSNP rs189960890, ClinGen allele CA9547245.
Genomic context (GRCh38, chr19:48,151,247, plus strand): 5'-AAATCAGGAGGTGGGGCAGGGCGGAGGAGAGGACCAGAAACTCACTGGAGGTCTTTAGGG[G>C]CTTGGGAGGCGTGGTGGGCTGGTCCCCGTCTTCTCCTTCCTTCTCTGTGGCCACTTCAGC-3'
Protein context (NP_000225.1, residues 177-197): DGDQPTTPPK[Pro187Ala]LKTSKAETPT